The following is an entry in ClinVar:

ClinVar aggregate classification (germline): Conflicting classifications of pathogenicity. Review status: criteria provided, conflicting classifications (1 of 4 stars). 3 submissions from 3 submitters: Uncertain significance (2); Likely benign (1). Last evaluated 2024-11-07.

Conditions:
Glycogen storage disease, type VII (GSD7). Also called: MUSCLE PHOSPHOFRUCTOKINASE DEFICIENCY; PFKM DEFICIENCY; TARUI DISEASE; GSD VII. Identifiers: Orphanet 371, MedGen C0017926, MONDO:0009295, OMIM 232800.

Allele frequency attached by ClinVar (database versions not stated): ExAC 0.00002; TOPMed 0.00002; ESP Exome Variant Server 0.00008.
gnomAD v4.1: 42 of 1,613,884 alleles (0.0026%); highest among the groups gnomAD compares: Middle Eastern, 0.016%; no homozygotes.

Submissions (3):

Blueprint Genetics
Classification: Likely benign. Last evaluated: 2024-11-07. Review status: criteria provided, single submitter. Criteria: ACMG Guidelines, 2015. Collection method: clinical testing. Allele origin: germline.

Revvity Omics, Revvity
Classification: Uncertain significance for Glycogen storage disease, type VII. Last evaluated: 2024-03-05. Review status: criteria provided, single submitter. Criteria: ACMG Guidelines, 2015. Collection method: clinical testing. Allele origin: germline.

Labcorp Genetics (formerly Invitae), Labcorp
Classification: Uncertain significance for Glycogen storage disease, type VII. Last evaluated: 2024-01-04. Review status: criteria provided, single submitter. Criteria: Invitae Variant Classification Sherloc (09022015). Collection method: clinical testing. Allele origin: germline.
Comment: This sequence change replaces valine, which is neutral and non-polar, with isoleucine, which is neutral and non-polar, at codon 540 of the PFKM protein (p.Val540Ile). This variant is present in population databases (rs376138631, gnomAD 0.007%). This variant has not been reported in the literature in individuals affected with PFKM-related conditions. ClinVar contains an entry for this variant (Variation ID: 2154352). Advanced modeling of protein sequence and biophysical properties (such as structural, functional, and spatial information, amino acid conservation, physicochemical variation, residue mobility, and thermodynamic stability) performed at Invitae indicates that this missense variant is not expected to disrupt PFKM protein function with a negative predictive value of 80%. In summary, the available evidence is currently insufficient to determine the role of this variant in disease. Therefore, it has been classified as a Variant of Uncertain Significance.

NM_000289.6(PFKM):c.1618G>A (p.Val540Ile)

Gene: PFKM (phosphofructokinase, muscle; plus strand). Cytogenetic location: 12q13.11.
Variant type: single nucleotide variant.
Coding change: c.1618G>A on transcript NM_000289.6 (MANE Select); coding-DNA position 1618, G replaced by A.
Protein change: p.Val540Ile; replaces valine 540 with isoleucine.
Molecular consequence: missense variant. On other transcripts: non-coding transcript variant (6).
Genome position (GRCh38, 1-based): chr12:48,142,031, G>A. VCF-style: chr12-48142031-G-A. GRCh37 (hg19) VCF-style: chr12-48535814-G-A.
Other names: c.1831G>A, p.Val611Ile (NM_001166686.2, NM_001354737.1, NM_001354738.1 and 1 more transcripts); c.1618G>A, p.Val540Ile (NM_001166687.2, NM_001166688.2, NM_001354742.2 and 2 more transcripts); c.1927G>A, p.Val643Ile (NM_001354735.1, NM_001354736.1); c.1762G>A, p.Val588Ile (NM_001354740.1); c.1642G>A, p.Val548Ile (NM_001354741.2); c.1531G>A, p.Val511Ile (NM_001354745.2); c.1492G>A, p.Val498Ile (NM_001354746.2); c.1468G>A, p.Val490Ile (NM_001354747.2, NM_001354748.2); and 1 more; short protein forms V498I, V509I, V490I, V548I, V611I, V511I, V588I, V540I.
Identifiers: ClinVar variation 2154352 (VCV002154352.6), dbSNP rs376138631, ClinGen allele CA6537401.